The following is an entry in ClinVar:

ClinVar aggregate classification (germline): Uncertain significance. Review status: criteria provided, multiple submitters, no conflicts (2 of 4 stars). 2 submissions from 2 submitters: Uncertain significance (2). Last evaluated 2025-05-19.

Conditions:
Hereditary cancer-predisposing syndrome. Also called: Tumor predisposition; Hereditary neoplastic syndrome; Hereditary Cancer Syndrome; Neoplastic Syndromes, Hereditary. Identifiers: Orphanet 140162, MedGen C0027672, MeSH D009386, MONDO:0015356.

Submissions (2):

Labcorp Genetics (formerly Invitae), Labcorp
Classification: Uncertain significance. Last evaluated: 2025-05-19. Review status: criteria provided, single submitter. Criteria: Invitae Variant Classification Sherloc (09022015). Collection method: clinical testing. Allele origin: germline.
Comment: This sequence change replaces proline, which is neutral and non-polar, with serine, which is neutral and polar, at codon 1210 of the POLE protein (p.Pro1210Ser). This variant is not present in population databases (gnomAD no frequency). This variant has not been reported in the literature in individuals affected with POLE-related conditions. ClinVar contains an entry for this variant (Variation ID: 935540). Invitae Evidence Modeling of protein sequence and biophysical properties (such as structural, functional, and spatial information, amino acid conservation, physicochemical variation, residue mobility, and thermodynamic stability) indicates that this missense variant is not expected to disrupt POLE protein function with a negative predictive value of 80%. In summary, the available evidence is currently insufficient to determine the role of this variant in disease. Therefore, it has been classified as a Variant of Uncertain Significance.

Ambry Genetics
Classification: Uncertain significance for Hereditary cancer-predisposing syndrome. Last evaluated: 2024-01-28. Review status: criteria provided, single submitter. Criteria: Ambry Variant Classification Scheme 2023. Collection method: clinical testing. Allele origin: germline.
Comment: The p.P1210S variant (also known as c.3628C>T), located in coding exon 30 of the POLE gene, results from a C to T substitution at nucleotide position 3628. The proline at codon 1210 is replaced by serine, an amino acid with similar properties. This amino acid position is conserved. In addition, this alteration is predicted to be tolerated by in silico analysis. Since supporting evidence is limited at this time, the clinical significance of this alteration remains unclear.

NM_006231.4(POLE):c.3628C>T (p.Pro1210Ser)

Gene: POLE (DNA polymerase epsilon, catalytic subunit; minus strand). Cytogenetic location: 12q24.33.
Variant type: single nucleotide variant.
Coding change: c.3628C>T on transcript NM_006231.4 (MANE Select); coding-DNA position 3628, C replaced by T.
Protein change: p.Pro1210Ser; replaces proline 1210 with serine.
Molecular consequence: missense variant.
Genome position (GRCh38, 1-based): chr12:132,649,844, G>A on the plus strand (C>T on the coding strand, the complement: POLE is on the minus strand). VCF-style: chr12-132649844-G-A. GRCh37 (hg19) VCF-style: chr12-133226430-G-A.
Other names: short protein forms P1210S.
Identifiers: ClinVar variation 935540 (VCV000935540.10), dbSNP rs2042382961, ClinGen allele CA387386927.